The following is an entry in ClinVar:

NM_174936.4(PCSK9):c.482T>C (p.Ile161Thr)

Gene: PCSK9 (proprotein convertase subtilisin/kexin type 9; plus strand). Cytogenetic location: 1p32.3.
Variant type: single nucleotide variant.
Coding change: c.482T>C on transcript NM_174936.4 (MANE Select); coding-DNA position 482, T replaced by C.
Protein change: p.Ile161Thr; replaces isoleucine 161 with threonine.
Molecular consequence: missense variant.
Genome position (GRCh38, 1-based): chr1:55,046,605, T>C. VCF-style: chr1-55046605-T-C. GRCh37 (hg19) VCF-style: chr1-55512278-T-C.
Other names: short protein forms I161T.
Identifiers: ClinVar variation 921266 (VCV000921266.6), dbSNP rs748403083, ClinGen allele CA22797795.
Genomic context (GRCh38, chr1:55,046,605, plus strand): 5'-ACTACATCGAGGAGGACTCCTCTGTCTTTGCCCAGAGCATCCCGTGGAACCTGGAGCGGA[T>C]TACCCCTCCACGGTACCGGGCGGATGAATACCAGCCCCCCGGTAAGACCCCCATCTGTGC-3'
Protein context (NP_777596.2, residues 151-171): AQSIPWNLER[Ile161Thr]TPPRYRADEY

ClinVar aggregate classification (germline): Uncertain significance. Review status: criteria provided, multiple submitters, no conflicts (2 of 4 stars). 2 submissions from 2 submitters: Uncertain significance (2). Last evaluated 2025-05-18.

Conditions:
Familial hypercholesterolemia. Also called: Familial hypercholesterolemias; Familial hypercholesterolaemia. Identifiers: MedGen C0020445, MONDO:0005439.
Hypercholesterolemia, autosomal dominant, 3 (FHCL3). Also called: Familial hypercholesterolemia 3; Familial Hypercholesterolemia, Autosomal Dominant, 3; PCSK9-Related Familial Hypercholesterolemia, Autosomal Dominant. Identifiers: MedGen C1863551, MONDO:0011369, OMIM 603776.

Submissions (2):

Labcorp Genetics (formerly Invitae), Labcorp
Classification: Uncertain significance for Hypercholesterolemia, autosomal dominant, 3. Last evaluated: 2025-05-18. Review status: criteria provided, single submitter. Criteria: Invitae Variant Classification Sherloc (09022015). Collection method: clinical testing. Allele origin: germline.
Comment: This sequence change replaces isoleucine, which is neutral and non-polar, with threonine, which is neutral and polar, at codon 161 of the PCSK9 protein (p.Ile161Thr). This variant is not present in population databases (gnomAD no frequency). This variant has not been reported in the literature in individuals affected with PCSK9-related conditions. ClinVar contains an entry for this variant (Variation ID: 921266). Invitae Evidence Modeling of protein sequence and biophysical properties (such as structural, functional, and spatial information, amino acid conservation, physicochemical variation, residue mobility, and thermodynamic stability) has been performed for this missense variant. However, the output from this modeling did not meet the statistical confidence thresholds required to predict the impact of this variant on PCSK9 protein function. In summary, the available evidence is currently insufficient to determine the role of this variant in disease. Therefore, it has been classified as a Variant of Uncertain Significance.

Color Diagnostics, LLC DBA Color Health
Classification: Uncertain significance for Familial hypercholesterolemia. Last evaluated: 2023-12-05. Review status: criteria provided, single submitter. Criteria: ACMG Guidelines, 2015. Collection method: clinical testing. Allele origin: germline.
Comment: Variant of Uncertain Significance due to insufficient evidence: This missense variant is located in the catalytic peptidase domain of the PCSK9 protein. Computational prediction tools and conservation analyses are inconclusive regarding the impact of this variant on the protein function. Computational splicing tools suggest that this variant may not impact the RNA splicing. To our knowledge, functional assays have not been performed for this variant nor has this variant been reported in individuals affected with familial hypercholesterolemia in the literature. This variant is rare in the general population and has been identified in 0/277264 chromosomes by the Genome Aggregation Database (gnomAD). Available evidence is insufficient to determine the pathogenicity of this variant conclusively.